The following is an entry in ClinVar:

NM_001164508.2(NEB):c.12262G>C (p.Glu4088Gln)

Gene: NEB (nebulin; minus strand). Cytogenetic location: 2q23.3.
Variant type: single nucleotide variant.
Coding change: c.12262G>C on transcript NM_001164508.2 (MANE Select); coding-DNA position 12262, G replaced by C.
Protein change: p.Glu4088Gln; replaces glutamic acid 4088 with glutamine.
Molecular consequence: missense variant.
Genome position (GRCh38, 1-based): chr2:151,609,877, C>G on the plus strand (G>C on the coding strand, the complement: NEB is on the minus strand). VCF-style: chr2-151609877-C-G. GRCh37 (hg19) VCF-style: chr2-152466391-C-G.
Other names: c.12262G>C, p.Glu4088Gln (NM_001164507.2, NM_001271208.2); c.11533G>C, p.Glu3845Gln (NM_004543.5); short protein forms E4088Q, E3845Q.
Identifiers: ClinVar variation 2103539 (VCV002103539.1), dbSNP rs1356997734, ClinGen allele CA348776821.
Genomic context (GRCh38, chr2:151,609,877, plus strand): 5'-GCAGGTCATAGGCCTTTTTTGCTTGGATAATGTCGTTTTGATCCGGCATGCATGTCCATT[C>G]ATGCAGGTAATTGCGATAATCAATGTCAGTGACCAAAGTCTGACATTTCTTGGCCAGCAA-3'
Protein context (NP_001157980.2, residues 4078-4098): TDIDYRNYLH[Glu4088Gln]WTCMPDQNDI

ClinVar aggregate classification (germline): Uncertain significance (1 of 4 stars; one submission).

Conditions:
Nemaline myopathy 2 (NEM2). Also called: Nemaline myopathy 2, autosomal recessive. Identifiers: MedGen C1850569, MONDO:0009725, OMIM 256030.

Submission:

Labcorp Genetics (formerly Invitae), Labcorp
Classification: Uncertain significance for Nemaline myopathy 2. Last evaluated: 2022-02-25. Review status: criteria provided, single submitter. Criteria: Invitae Variant Classification Sherloc (09022015). Collection method: clinical testing. Allele origin: germline.
Comment: This sequence change replaces glutamic acid, which is acidic and polar, with glutamine, which is neutral and polar, at codon 4088 of the NEB protein (p.Glu4088Gln). This variant is not present in population databases (gnomAD no frequency). This variant has not been reported in the literature in individuals affected with NEB-related conditions. Algorithms developed to predict the effect of missense changes on protein structure and function output the following: SIFT: "Tolerated"; PolyPhen-2: "Not Available"; Align-GVGD: "Class C0". The glutamine amino acid residue is found in multiple mammalian species, which suggests that this missense change does not adversely affect protein function. In summary, the available evidence is currently insufficient to determine the role of this variant in disease. Therefore, it has been classified as a Variant of Uncertain Significance.